The following is an entry in ClinVar:

NM_000443.4(ABCB4):c.3764C>T (p.Thr1255Met)

Gene: ABCB4 (ATP binding cassette subfamily B member 4; minus strand). Cytogenetic location: 7q21.12.
Variant type: single nucleotide variant.
Coding change: c.3764C>T on transcript NM_000443.4 (MANE Select); coding-DNA position 3764, C replaced by T.
Protein change: p.Thr1255Met; replaces threonine 1255 with methionine.
Molecular consequence: missense variant.
Genome position (GRCh38, 1-based): chr7:87,402,172, G>A on the plus strand (C>T on the coding strand, the complement: ABCB4 is on the minus strand). VCF-style: chr7-87402172-G-A. GRCh37 (hg19) VCF-style: chr7-87031488-G-A.
Other names: p.Thr1255Met; c.3785C>T, p.Thr1262Met (NM_018849.3); c.3623C>T, p.Thr1208Met (NM_018850.3); c.3764C>T (NM_000443.3); short protein forms T1208M, T1255M, T1262M.
Identifiers: ClinVar variation 1049446 (VCV001049446.8), dbSNP rs147577035, ClinGen allele CA4326699.

ClinVar aggregate classification (germline): Uncertain significance. Review status: criteria provided, multiple submitters, no conflicts (2 of 4 stars). 5 submissions from 5 submitters: Uncertain significance (4). 1 of the submissions does not count toward it. Last evaluated 2026-05-15.

Conditions:
Familial intrahepatic cholestasis. Identifiers: Orphanet 284385, MedGen CN296401, MONDO:0017290.
Low phospholipid associated cholelithiasis (GBD1). Also called: Gallstone cholecystitis; Gallbladder disease 1. Identifiers: Orphanet 69663, MedGen C2609268, MONDO:0010939, OMIM 600803.
ABCB4-related disorder. Also called: ABCB4-related disorders; ABCB4-related condition.

Allele frequency attached by ClinVar (database versions not stated): gnomAD exomes 0.00002 and 0.00005; ExAC 0.00003; gnomAD 0.00015 and 0.00016; TOPMed 0.00022; ESP Exome Variant Server 0.00038.
gnomAD v4.1: 54 of 1,614,060 alleles (0.0033%); highest among the groups gnomAD compares: African/African-American, 0.055%; no homozygotes.

Submissions (5):

PreventionGenetics, part of Exact Sciences
Classification: Uncertain significance for ABCB4-related condition. Last evaluated: 2026-05-15. Review status: criteria provided, single submitter. Criteria: ACMG Guidelines, 2015. Collection method: clinical testing. Allele origin: germline.
Comment: The ABCB4 c.3764C>T variant is predicted to result in the amino acid substitution p.Thr1255Met. This variant, also known as c.3785C>T (p.Thr1262Met), has been reported in the compound heterozygous state in an individual with adult-onset liver disease (Table S1, Nayagam et al 2022. PubMed ID: 35894240). This variant has also been reported in the heterozygous state in two pediatric patients with conjugated jaundice and elevated liver function tests (Hegarty et al. 2024. PubMed ID 38374565). This variant is reported in 0.048% of alleles in individuals of African descent in gnomAD. At this time, the clinical significance of this variant is uncertain due to the absence of conclusive functional and genetic evidence.

Genomenon, Inc
Classification: Uncertain significance for Familial intrahepatic cholestasis; Low phospholipid associated cholelithiasis. Last evaluated: 2026-04-14. Review status: criteria provided, single submitter. Criteria: Genomenon Sequence Variant Interpretation Standards - Updated. Collection method: curation. Allele origin: germline. Affected: no.
Comment: ABCB4 p.Thr1255Met (c.3764C>T) is a missense variant that changes the amino acid at residue 1255 from Threonine to Methionine. This variant has been reported in the published literature (PMID:38374565). It is absent or not present at a significant frequency in gnomAD. In conclusion, we classify ABCB4 p.Thr1255Met (c.3764C>T) as a variant of uncertain significance.

Labcorp Genetics (formerly Invitae), Labcorp
Classification: Uncertain significance. Last evaluated: 2026-01-24. Review status: criteria provided, single submitter. Criteria: Invitae Variant Classification Sherloc (09022015). Collection method: clinical testing. Allele origin: germline.
Comment: This sequence change replaces threonine, which is neutral and polar, with methionine, which is neutral and non-polar, at codon 1255 of the ABCB4 protein (p.Thr1255Met). This variant is present in population databases (rs147577035, gnomAD 0.05%). This missense change has been observed in individual(s) with ABCB4-related conditions (PMID: 35894240, 38374565). This variant is also known as c.3785C>T (p.Thr1262Met). ClinVar contains an entry for this variant (Variation ID: 1049446). Invitae Evidence Modeling of protein sequence and biophysical properties (such as structural, functional, and spatial information, amino acid conservation, physicochemical variation, residue mobility, and thermodynamic stability) indicates that this missense variant is expected to disrupt ABCB4 protein function with a positive predictive value of 80%. In summary, the available evidence is currently insufficient to determine the role of this variant in disease. Therefore, it has been classified as a Variant of Uncertain Significance.

Mayo Clinic Laboratories, Mayo Clinic
Classification: Uncertain significance. Last evaluated: 2023-05-09. Review status: criteria provided, single submitter. Criteria: ACMG Guidelines, 2015. Collection method: clinical testing. Allele origin: germline. Observed: 1 variant allele.
Comment: PM2

Department of Pathology and Laboratory Medicine, Sinai Health System
Classification: Uncertain significance. Review status: no assertion criteria provided. Collection method: clinical testing. Allele origin: unknown. Affected: yes. Study: The Canadian Open Genetics Repository (COGR). Not counted in ClinVar's aggregate classification.
Comment: The ABCB4 p.Thr1255Met variant was not identified in the literature nor was it identified in ClinVar, Cosmic or LOVD 3.0. The variant was identified in dbSNP (ID: rs147577035) and was also found in control databases in 16 of 282790 chromosomes at a frequency of 0.000057 (Genome Aggregation Database Feb 27, 2017). The variant was observed in the following populations: African in 12 of 24968 chromosomes (freq: 0.000481), Latino in 2 of 35440 chromosomes (freq: 0.000056), South Asian in 1 of 30616 chromosomes (freq: 0.000033) and European (non-Finnish) in 1 of 129108 chromosomes (freq: 0.000008), while the variant was not observed in the Ashkenazi Jewish, East Asian, European (Finnish) and Other populations. The variant occurs outside of the splicing consensus sequence and in silico or computational prediction software programs (SpliceSiteFinder, MaxEntScan, NNSPLICE, GeneSplicer) do not predict a difference in splicing. The p.Thr1255 residue is conserved in mammals but not in more distantly related organisms, and four out of five computational analyses (PolyPhen-2, SIFT, BLOSUM, MutationTaster) suggest that the variant may impact the protein; however, this information is not predictive enough to assume pathogenicity. In summary, based on the above information the clinical significance of this variant cannot be determined with certainty at this time. This variant is classified as a variant of uncertain significance.

Literature cited by the submitters: PubMed 38374565 (cited by Genomenon, Inc and Labcorp Genetics (formerly Invitae), Labcorp); PubMed 35894240 (cited by Labcorp Genetics (formerly Invitae), Labcorp and Mayo Clinic Laboratories, Mayo Clinic).